The following is an entry in ClinVar:

ClinVar aggregate classification (germline): Uncertain significance (1 of 4 stars; one submission).

Conditions:
Congenital myasthenic syndrome 8. Also called: Myasthenic syndrome, congenital, 8, with pre- and postsynaptic defects; MYASTHENIC SYNDROME, CONGENITAL, DUE TO AGRIN DEFICIENCY. Identifiers: Orphanet 590, MedGen C3808739, MONDO:0014052, OMIM 615120.

Allele frequency attached by ClinVar (database versions not stated): ExAC below 0.00001; gnomAD exomes 0.00001 and 0.00002; TOPMed 0.00001.

Submission:

Labcorp Genetics (formerly Invitae), Labcorp
Classification: Uncertain significance for Congenital myasthenic syndrome 8. Last evaluated: 2020-11-15. Review status: criteria provided, single submitter. Criteria: Invitae Variant Classification Sherloc (09022015). Collection method: clinical testing. Allele origin: germline.
Comment: This sequence change replaces alanine with valine at codon 1402 of the AGRN protein (p.Ala1402Val). The alanine residue is highly conserved and there is a small physicochemical difference between alanine and valine. The frequency data for this variant in the population databases is considered unreliable, as metrics indicate poor data quality at this position in the ExAC database. This variant has not been reported in the literature in individuals with AGRN-related conditions. Algorithms developed to predict the effect of missense changes on protein structure and function output the following: SIFT: "Deleterious"; PolyPhen-2: "Benign"; Align-GVGD: "Class C0". The valine amino acid residue is found in multiple mammalian species, suggesting that this missense change does not adversely affect protein function. These predictions have not been confirmed by published functional studies and their clinical significance is uncertain. Algorithms developed to predict the effect of sequence changes on RNA splicing suggest that this variant may create or strengthen a splice site, but this prediction has not been confirmed by published transcriptional studies. In summary, the available evidence is currently insufficient to determine the role of this variant in disease. Therefore, it has been classified as a Variant of Uncertain Significance.

NM_198576.4(AGRN):c.4205C>T (p.Ala1402Val)

Gene: AGRN (agrin; plus strand). Cytogenetic location: 1p36.33.
Variant type: single nucleotide variant.
Coding change: c.4205C>T on transcript NM_198576.4 (MANE Select); coding-DNA position 4205, C replaced by T.
Protein change: p.Ala1402Val; replaces alanine 1402 with valine.
Molecular consequence: missense variant.
Genome position (GRCh38, 1-based): chr1:1,048,966, C>T. VCF-style: chr1-1048966-C-T. GRCh37 (hg19) VCF-style: chr1-984346-C-T.
Other names: c.4205C>T, p.Ala1402Val (NM_001305275.2); c.3890C>T, p.Ala1297Val (NM_001364727.2); short protein forms A1297V, A1402V.
Identifiers: ClinVar variation 1046661 (VCV001046661.8), dbSNP rs747440725, ClinGen allele CA509354.